The following is an entry in ClinVar:

NM_000368.5(TSC1):c.*4A>G

Gene: TSC1 (TSC complex subunit 1; minus strand). Cytogenetic location: 9q34.13.
Variant type: single nucleotide variant.
Coding change: c.*4A>G on transcript NM_000368.5 (MANE Select); 4 bases downstream of the stop codon, A replaced by G.
Molecular consequence: 3 prime UTR variant. On other transcripts: non-coding transcript variant (5).
Genome position (GRCh38, 1-based): chr9:132,896,231, T>C on the plus strand (A>G on the coding strand, the complement: TSC1 is on the minus strand). VCF-style: chr9-132896231-T-C. GRCh37 (hg19) VCF-style: chr9-135771618-T-C.
Other names: c.*4A>G (NM_001162426.2, NM_001162427.2, NM_001362177.2 and 39 more transcripts).
Identifiers: ClinVar variation 4071054 (VCV004071054.1).
Genomic context (GRCh38, chr9:132,896,231, plus strand): 5'-GTGCATTCACACCTCCTGTTCTGTGCCAACAATATGCAAGTTAACACTGATTGACCATCA[T>C]TCCTTAGCTGTGTTCATGATGAGTCTCATTGTAGTCCATGATATGTAGCTGTCCAACACT-3'

ClinVar aggregate classification (germline): Benign (1 of 4 stars; one submission).

Conditions:
Tuberous sclerosis 1 (TSC1). Identifiers: Orphanet 805, MedGen C1854465, MONDO:0008612, OMIM 191100.

gnomAD v4.1: 2 of 1,614,234 alleles (0.00012%); highest among the groups gnomAD compares: Non-Finnish European, 0.00017%; no homozygotes.

Submission:

Myriad Genetics, Inc.
Classification: Benign for Tuberous sclerosis 1. Last evaluated: 2025-04-30. Review status: criteria provided, single submitter. Criteria: Myriad Autosomal Dominant, Autosomal Recessive and X-Linked Classification Criteria (2023). Collection method: clinical testing. Allele origin: unknown.
Comment: This variant is considered benign. This variant occurs in the non-coding 3' untranslated region of the gene, and is not expected to impact protein function.